The following is an entry in ClinVar:

NM_022124.6(CDH23):c.4309C>T (p.Arg1437Ter)

Gene: CDH23 (cadherin related 23; plus strand). Cytogenetic location: 10q22.1.
Variant type: single nucleotide variant.
Coding change: c.4309C>T on transcript NM_022124.6 (MANE Select); coding-DNA position 4309, C replaced by T.
Protein change: p.Arg1437Ter; replaces arginine 1437 with a stop codon.
Molecular consequence: nonsense.
Genome position (GRCh38, 1-based): chr10:71,738,597, C>T. VCF-style: chr10-71738597-C-T. GRCh37 (hg19) VCF-style: chr10-73498354-C-T.
Other names: short protein forms R1437*.
Identifiers: ClinVar variation 45943 (VCV000045943.23), dbSNP rs397517329, ClinGen allele CA261782.

ClinVar aggregate classification (germline): Pathogenic. Review status: criteria provided, multiple submitters, no conflicts (2 of 4 stars). 9 submissions from 9 submitters: Pathogenic (9). Last evaluated 2026-08-04.

Conditions:
Pituitary adenoma 5, multiple types. Identifiers: MedGen C4539685, MONDO:0054601, OMIM 617540.
Monogenic hearing loss.
CDH23-related disorder. Also called: CDH23-related disorders; CDH23-related condition.
Usher syndrome type 1D (USH1D). Also called: USHER SYNDROME, TYPE ID. Identifiers: Orphanet 231169, Orphanet 886, MedGen C1832845, MONDO:0010984, OMIM 601067.
Autosomal recessive nonsyndromic hearing loss 12. Also called: DEAFNESS, AUTOSOMAL RECESSIVE 12. Identifiers: Orphanet 90636, MedGen C1832394, MONDO:0011067, OMIM 601386.
Rare genetic deafness. Identifiers: Orphanet 96210, MedGen C5680250.
Usher syndrome type 1 (USH1). Also called: RETINITIS PIGMENTOSA AND CONGENITAL DEAFNESS. Identifiers: Orphanet 231169, Orphanet 886, MedGen C1568247, MONDO:0010168, OMIM 276900.

Allele frequency attached by ClinVar (database versions not stated): gnomAD exomes below 0.00001; ExAC 0.00001; gnomAD 0.00003 and 0.00004; TOPMed 0.00003.
gnomAD v4.1: 25 of 1,613,614 alleles (0.0015%); highest among the groups gnomAD compares: Non-Finnish European, 0.0019%; no homozygotes.

Submissions (9):

Genetics Laboratory, Great Ormond Street Hospital NHS Foundation Trust, North Thames Genomic Laboratory Hub
Classification: Pathogenic for Monogenic hearing loss. Last evaluated: 2026-08-04. Review status: criteria provided, single submitter. Criteria: ACGS Best Practice Guidelines for Variant Classification in Rare Disease 2024 v1.2. Collection method: clinical testing. Allele origin: germline. Affected: yes.
Comment: PM2_moderate, PVS1_very-strong, PM3_moderate

Natera, Inc.
Classification: Pathogenic for Usher syndrome type 1. Last evaluated: 2025-09-11. Review status: criteria provided, single submitter. Criteria: Natera Variant Classification Schema (03/2026). Collection method: clinical testing. Allele origin: germline.
Comment: The c.4309C>T variant in CDH23 is a nonsense variant predicted to introduce a stop codon at amino acid 1437. This variant is expected to result in nonsense mediated decay, truncation, or a dysfunctional protein product. This variant is rare in the general population with a frequency below the threshold expected for the associated phenotype(s). This variant has been observed in one or more individuals affected with the associated recessive disease, as either homozygous or compound heterozygous with a second variant (PMID: 32531858, 16679490). Given the available evidence, this variant is classified as Pathogenic.

PreventionGenetics, part of Exact Sciences
Classification: Pathogenic for CDH23-related condition. Last evaluated: 2025-05-13. Review status: criteria provided, single submitter. Criteria: ACMG Guidelines, 2015. Collection method: clinical testing. Allele origin: germline.
Comment: The CDH23 c.4309C>T variant is predicted to result in premature protein termination (p.Arg1437*). This variant was reported as pathogenic for Usher syndrome (Roux et al. 2006. PubMed ID: 16679490; Kletke et al. 2017. PubMed ID: 27743452). This variant is reported in 0.0041% of alleles in individuals of African descent in gnomAD. Nonsense variants in CDH23 are expected to be pathogenic. This variant is interpreted as pathogenic.

Baylor Genetics
Classification: Pathogenic for Pituitary adenoma 5, multiple types. Last evaluated: 2024-01-17. Review status: criteria provided, single submitter. Criteria: ACMG Guidelines, 2015. Collection method: clinical testing. Allele origin: unknown.

Labcorp Genetics (formerly Invitae), Labcorp
Classification: Pathogenic. Last evaluated: 2023-12-06. Review status: criteria provided, single submitter. Criteria: Invitae Variant Classification Sherloc (09022015). Collection method: clinical testing. Allele origin: germline.
Comment: This sequence change creates a premature translational stop signal (p.Arg1437*) in the CDH23 gene. It is expected to result in an absent or disrupted protein product. Loss-of-function variants in CDH23 are known to be pathogenic (PMID: 11138009, 21940737). This variant is present in population databases (rs397517329, gnomAD 0.004%). This premature translational stop signal has been observed in individual(s) with CDH23-related conditions (PMID: 16679490, 27743452). ClinVar contains an entry for this variant (Variation ID: 45943). Algorithms developed to predict the effect of sequence changes on RNA splicing suggest that this variant may disrupt the consensus splice site. For these reasons, this variant has been classified as Pathogenic.

GeneDx
Classification: Pathogenic. Last evaluated: 2022-03-17. Review status: criteria provided, single submitter. Criteria: GeneDx Variant Classification Process June 2021. Collection method: clinical testing. Allele origin: germline. Affected: yes.
Comment: Nonsense variant predicted to result in protein truncation or nonsense mediated decay in a gene for which loss-of-function is a known mechanism of disease; Not observed at a significant frequency in large population cohorts (gnomAD); This variant is associated with the following publications: (PMID: 25525159, 16679490, 27743452, 31980526, 32037395)

Blueprint Genetics
Classification: Pathogenic for CDH23-related disorders. Last evaluated: 2019-09-06. Review status: criteria provided, single submitter. Criteria: ACMG Guidelines, 2015. Collection method: clinical testing. Allele origin: germline. Affected: yes. Observed: 1 variant allele.

Fulgent Genetics
Classification: Pathogenic for Usher syndrome type 1D; Autosomal recessive nonsyndromic hearing loss 12; Pituitary adenoma 5, multiple types. Last evaluated: 2018-10-31. Review status: criteria provided, single submitter. Criteria: ACMG Guidelines, 2015. Collection method: clinical testing. Allele origin: unknown.

Laboratory for Molecular Medicine, Mass General Brigham Personalized Medicine
Classification: Pathogenic for Rare genetic deafness. Last evaluated: 2015-11-16. Review status: criteria provided, single submitter. Criteria: LMM Criteria. Collection method: clinical testing. Allele origin: germline. Inheritance: Autosomal recessive inheritance. Observed: 5 variant alleles.
Comment: The p.Arg1437X variant in CDH23 has been previously reported in three unrelated individuals with clinical features of Usher syndrome type 1 who were all compoun d heterozygous with a second CDH23 variant and segregated with disease in an aff ected family member (Roux 2006 and LMM unpublished data). This nonsense variant leads to a premature termination codon at position 1437, which is predicted to l ead to a truncated or absent protein. In summary, this variant meets our criteri a to be classified as pathogenic for Usher syndrome in an autosomal recessive ma nner based on the previous reports and the predicted impact to the protein.

Literature cited by the submitters: PubMed 32531858 (cited by Natera, Inc.); PubMed 16679490 (cited by 3 submitters); PubMed 11138009 (cited by Labcorp Genetics (formerly Invitae), Labcorp); PubMed 21940737 (cited by Labcorp Genetics (formerly Invitae), Labcorp); PubMed 27743452 (cited by Labcorp Genetics (formerly Invitae), Labcorp).